The following is an entry in ClinVar:

ClinVar aggregate classification (germline): Uncertain significance (1 of 4 stars; one submission).

Conditions:
Hereditary cancer-predisposing syndrome. Also called: Hereditary Cancer Syndrome; Tumor predisposition; Hereditary neoplastic syndrome; Neoplastic Syndromes, Hereditary. Identifiers: Orphanet 140162, MedGen C0027672, MeSH D009386, MONDO:0015356.
Cardiovascular phenotype. Identifiers: MedGen CN230736.

Submission:

Ambry Genetics
Classification: Uncertain significance for Cardiovascular phenotype; Hereditary cancer-predisposing syndrome. Last evaluated: 2024-08-24. Review status: criteria provided, single submitter. Criteria: Ambry Variant Classification Scheme 2023. Collection method: clinical testing. Allele origin: germline.
Comment: The p.Q948E variant (also known as c.2842C>G), located in coding exon 21 of the NF1 gene, results from a C to G substitution at nucleotide position 2842. The glutamine at codon 948 is replaced by glutamic acid, an amino acid with highly similar properties. This amino acid position is conserved. In addition, the in silico prediction for this alteration is inconclusive. Based on the available evidence, the clinical significance of this variant remains unclear.

NM_001042492.3(NF1):c.2842C>G (p.Gln948Glu)

Gene: NF1 (neurofibromin 1; plus strand). Cytogenetic location: 17q11.2.
Variant type: single nucleotide variant.
Coding change: c.2842C>G on transcript NM_001042492.3 (MANE Select); coding-DNA position 2842, C replaced by G.
Protein change: p.Gln948Glu; replaces glutamine 948 with glutamic acid.
Molecular consequence: missense variant.
Genome position (GRCh38, 1-based): chr17:31,229,457, C>G. VCF-style: chr17-31229457-C-G. GRCh37 (hg19) VCF-style: chr17-29556475-C-G.
Other names: c.2842C>G, p.Gln948Glu (NM_000267.4); short protein forms Q948E.
Identifiers: ClinVar variation 3404719 (VCV003404719.1).
Genomic context (GRCh38, chr17:31,229,457, plus strand): 5'-GCTCTGTATCCAATGCTATTTAACAAATTGAAGAATACCATCAGCAAGTTTTTTGACTCC[C>G]AAGGACAGGTAAAGTGTTCTCTTATTTTTCACCTTTCTCTATGAATAGAGTGACTTGTTT-3'
Protein context (NP_001035957.1, residues 938-958): KNTISKFFDS[Gln948Glu]GQVLLTDTNT